The following is an entry in ClinVar:

ClinVar aggregate classification (germline): Uncertain significance (1 of 4 stars; one submission).

gnomAD v4.1: 2 of 1,614,188 alleles (0.00012%); highest among the groups gnomAD compares: Non-Finnish European, 0.00017%; no homozygotes.

Submission:

Ambry Genetics
Classification: Uncertain significance. Last evaluated: 2026-03-11. Review status: criteria provided, single submitter. Criteria: Ambry Variant Classification Scheme 2023. Collection method: clinical testing. Allele origin: germline.
Comment: The p.V164M variant (also known as c.490G>A), located in coding exon 4 of the SRP72 gene, results from a G to A substitution at nucleotide position 490. The valine at codon 164 is replaced by methionine, an amino acid with highly similar properties. This amino acid position is conserved. In addition, this alteration is predicted to be tolerated by in silico analysis. Based on the available evidence, the clinical significance of this variant remains unclear.

NM_006947.4(SRP72):c.490G>A (p.Val164Met)

Gene: SRP72 (signal recognition particle 72; plus strand). Cytogenetic location: 4q12.
Variant type: single nucleotide variant.
Coding change: c.490G>A on transcript NM_006947.4 (MANE Select); coding-DNA position 490, G replaced by A.
Protein change: p.Val164Met; replaces valine 164 with methionine.
Molecular consequence: missense variant. On other transcripts: non-coding transcript variant (1).
Genome position (GRCh38, 1-based): chr4:56,474,189, G>A. VCF-style: chr4-56474189-G-A. GRCh37 (hg19) VCF-style: chr4-57340355-G-A.
Other names: c.490G>A, p.Val164Met (NM_001267722.2); short protein forms V164M.
Identifiers: ClinVar variation 4825788 (VCV004825788.1).
Genomic context (GRCh38, chr4:56,474,189, plus strand): 5'-GATGAGGAGAGGAAAACAAACCTTTCAGCAGTTGTTGCAGCTCAAAGCAATTGGGAAAAA[G>A]TGGTTCCAGTGAGTATCCTTGTGGTGTACCCATACAGTCATGAATTATTATTCATATTTA-3'
Protein context (NP_008878.3, residues 154-174): VVAAQSNWEK[Val164Met]VPENLGLQEG